The following is an entry in ClinVar:

ClinVar aggregate classification (germline): Pathogenic (1 of 4 stars; one submission).

Submission:

Labcorp Genetics (formerly Invitae), Labcorp
Classification: Pathogenic. Last evaluated: 2021-08-05. Review status: criteria provided, single submitter. Criteria: Invitae Variant Classification Sherloc (09022015). Collection method: clinical testing. Allele origin: germline.
Comment: For these reasons, this variant has been classified as Pathogenic. This variant disrupts the p.Asp646 amino acid residue in PHEX. Other variant(s) that disrupt this residue have been determined to be pathogenic (PMID: 21050253; Invitae). This suggests that this residue is clinically significant, and that variants that disrupt this residue are likely to be disease-causing. Algorithms developed to predict the effect of sequence changes on RNA splicing suggest that this variant may create or strengthen a splice site. Advanced modeling of protein sequence and biophysical properties (such as structural, functional, and spatial information, amino acid conservation, physicochemical variation, residue mobility, and thermodynamic stability) performed at Invitae indicates that this missense variant is expected to disrupt PHEX protein function. This missense change has been observed in individual(s) with hypophosphatemia (Invitae). This variant is not present in population databases (ExAC no frequency). This sequence change replaces aspartic acid with glycine at codon 646 of the PHEX protein (p.Asp646Gly). The aspartic acid residue is highly conserved and there is a moderate physicochemical difference between aspartic acid and glycine.

Literature cited by the submitters: PubMed 21050253.

NM_000444.6(PHEX):c.1937A>G (p.Asp646Gly)

Genes: PHEX (phosphate regulating endopeptidase X-linked; plus strand), PTCHD1-AS (PTCHD1 and PHEX antisense RNA; minus strand). Cytogenetic location: Xp22.11.
Variant type: single nucleotide variant.
Coding change: c.1937A>G on transcript NM_000444.6 (MANE Select); coding-DNA position 1937, A replaced by G.
Protein change: p.Asp646Gly; replaces aspartic acid 646 with glycine.
Molecular consequence: missense variant.
Genome position (GRCh38, 1-based): chrX:22,226,480, A>G. VCF-style: chrX-22226480-A-G. GRCh37 (hg19) VCF-style: chrX-22244597-A-G.
Other names: c.1937A>G, p.Asp646Gly (NM_001282754.2); short protein forms D646G.
Identifiers: ClinVar variation 1452348 (VCV001452348.6), dbSNP rs2147183168, ClinGen allele CA412574206.
Genomic context (GRCh38, chrX:22,226,480, plus strand): 5'-TTTTCCTTTTTTCTTTCTGTTAGGTCAAGGGGAAGAGGACCCTGGGAGAAAATATTGCTG[A>G]TAATGGAGGCCTGCGGGAAGCTTTTAGGGTATGCGCTGCTACATTTACCGTGGTTCTAAA-3'
Protein context (NP_000435.3, residues 636-656): GKRTLGENIA[Asp646Gly]NGGLREAFRA